The following is an entry in ClinVar:

NM_001385012.1(NBEA):c.2924A>G (p.Lys975Arg)

Gene: NBEA (neurobeachin; plus strand). Cytogenetic location: 13q13.3.
Variant type: single nucleotide variant.
Coding change: c.2924A>G on transcript NM_001385012.1 (MANE Select); coding-DNA position 2924, A replaced by G.
Protein change: p.Lys975Arg; replaces lysine 975 with arginine.
Molecular consequence: missense variant.
Genome position (GRCh38, 1-based): chr13:35,159,095, A>G. VCF-style: chr13-35159095-A-G. GRCh37 (hg19) VCF-style: chr13-35733232-A-G.
Other names: c.2924A>G, p.Lys975Arg (NM_001379245.1, NM_015678.5); short protein forms K975R.
Identifiers: ClinVar variation 2689536 (VCV002689536.3), dbSNP rs2503622228, ClinGen allele CA387836345.

ClinVar aggregate classification (germline): Conflicting classifications of pathogenicity. Review status: criteria provided, conflicting classifications (1 of 4 stars). 2 submissions from 2 submitters: Uncertain significance (1); Likely benign (1). Last evaluated 2024-09-20.

Conditions:
Neurodevelopmental disorder with or without early-onset generalized epilepsy. Identifiers: MedGen C5436914, MONDO:0030930, OMIM 619157.

Submissions (2):

3billion
Classification: Likely benign for Neurodevelopmental disorder with or without early-onset generalized epilepsy. Last evaluated: 2024-09-20. Review status: criteria provided, single submitter. Criteria: ACMG Guidelines, 2015. Collection method: clinical testing. Allele origin: germline. Affected: no.
Comment: The variant was identified in at least one patient who was diagnosed with a different variant in another gene and showed no symptoms related to the gene containing the variant in question.

Revvity Omics, Revvity
Classification: Uncertain significance for Neurodevelopmental disorder with or without early-onset generalized epilepsy. Last evaluated: 2023-06-19. Review status: criteria provided, single submitter. Criteria: ACMG Guidelines, 2015. Collection method: clinical testing. Allele origin: germline.